The following is an entry in ClinVar:

ClinVar aggregate classification (germline): Uncertain significance. Review status: criteria provided, multiple submitters, no conflicts (2 of 4 stars). 2 submissions from 2 submitters: Uncertain significance (2). Last evaluated 2026-08-24.

Conditions:
BBS10-related disorder. Also called: BBS10-related condition.
Bardet-Biedl syndrome (BBS). Identifiers: Orphanet 110, MedGen C0752166, MONDO:0015229.

Submissions (2):

PreventionGenetics, part of Exact Sciences
Classification: Uncertain significance for BBS10-related condition. Last evaluated: 2026-08-24. Review status: criteria provided, single submitter. Criteria: ACMG Guidelines, 2015. Collection method: clinical testing. Allele origin: germline.
Comment: The BBS10 c.2167C>G variant is predicted to result in the amino acid substitution p.Leu723Val. To our knowledge, this variant has not been reported in the literature or in a large population database (gnomAD), indicating this variant is rare. At this time, the clinical significance of this variant is uncertain due to the absence of conclusive functional and genetic evidence.

Labcorp Genetics (formerly Invitae), Labcorp
Classification: Uncertain significance for Bardet-Biedl syndrome. Last evaluated: 2022-03-10. Review status: criteria provided, single submitter. Criteria: Invitae Variant Classification Sherloc (09022015). Collection method: clinical testing. Allele origin: germline.
Comment: This sequence change replaces leucine, which is neutral and non-polar, with valine, which is neutral and non-polar, at codon 723 of the BBS10 protein (p.Leu723Val). This variant is not present in population databases (gnomAD no frequency). This variant has not been reported in the literature in individuals affected with BBS10-related conditions. Algorithms developed to predict the effect of missense changes on protein structure and function output the following: SIFT: "Tolerated"; PolyPhen-2: "Benign"; Align-GVGD: "Class C0". The valine amino acid residue is found in multiple mammalian species, which suggests that this missense change does not adversely affect protein function. In summary, the available evidence is currently insufficient to determine the role of this variant in disease. Therefore, it has been classified as a Variant of Uncertain Significance.

NM_024685.4(BBS10):c.2167C>G (p.Leu723Val)

Gene: BBS10 (Bardet-Biedl syndrome 10; minus strand). Cytogenetic location: 12q21.2.
Variant type: single nucleotide variant.
Coding change: c.2167C>G on transcript NM_024685.4 (MANE Select); coding-DNA position 2167, C replaced by G.
Protein change: p.Leu723Val; replaces leucine 723 with valine.
Molecular consequence: missense variant.
Genome position (GRCh38, 1-based): chr12:76,345,818, G>C on the plus strand (C>G on the coding strand, the complement: BBS10 is on the minus strand). VCF-style: chr12-76345818-G-C. GRCh37 (hg19) VCF-style: chr12-76739598-G-C.
Other names: c.2167C>G (NM_024685.3); short protein forms L723V.
Identifiers: ClinVar variation 1425681 (VCV001425681.6), dbSNP rs1003705267, ClinGen allele CA239331396.